The following is an entry in ClinVar:

NM_004655.4(AXIN2):c.-117+17G>A

Gene: AXIN2 (axin 2; minus strand). Cytogenetic location: 17q24.1.
Variant type: single nucleotide variant.
Coding change: c.-117+17G>A on transcript NM_004655.4 (MANE Select); 17 bases into the intron after 117 bases upstream of the start codon, G replaced by A.
Molecular consequence: intron variant.
Genome position (GRCh38, 1-based): chr17:65,561,433, C>T on the plus strand (G>A on the coding strand, the complement: AXIN2 is on the minus strand). VCF-style: chr17-65561433-C-T. GRCh37 (hg19) VCF-style: chr17-63557551-C-T.
Other names: c.-117+17G>A (LRG_296t1, NM_001363813.1).
Identifiers: ClinVar variation 506992 (VCV000506992.1), dbSNP rs1233256258, ClinGen allele CA626912080.

ClinVar aggregate classification (germline): Likely benign (1 of 4 stars; one submission).

Allele frequency attached by ClinVar (database versions not stated): gnomAD 0.00003 and 0.00004; TOPMed 0.00004.

Submission:

GeneDx
Classification: Likely benign. Last evaluated: 2017-01-26. Review status: criteria provided, single submitter. Criteria: GeneDx Variant Classification (06012015). Collection method: clinical testing. Allele origin: germline. Affected: yes.
Comment: This variant is considered likely benign or benign based on one or more of the following criteria: it is a conservative change, it occurs at a poorly conserved position in the protein, it is predicted to be benign by multiple in silico algorithms, and/or has population frequency not consistent with disease.